The following is an entry in ClinVar:

NM_001378454.1(ALMS1):c.2068G>C (p.Asp690His)

Gene: ALMS1 (ALMS1 centrosome and basal body associated protein; plus strand). Cytogenetic location: 2p13.1.
Variant type: single nucleotide variant.
Coding change: c.2068G>C on transcript NM_001378454.1 (MANE Select); coding-DNA position 2068, G replaced by C.
Protein change: p.Asp690His; replaces aspartic acid 690 with histidine.
Molecular consequence: missense variant.
Genome position (GRCh38, 1-based): chr2:73,448,595, G>C. VCF-style: chr2-73448595-G-C. GRCh37 (hg19) VCF-style: chr2-73675722-G-C.
Other names: c.2071G>C, p.Asp691His (NM_015120.4); short protein forms D690H, D691H.
Identifiers: ClinVar variation 4995414 (VCV004995414.1).

ClinVar aggregate classification (germline): Uncertain significance (1 of 4 stars; one submission).

Conditions:
ALMS1-related disorder. Also called: ALMS1-related condition.

Submission:

PreventionGenetics, part of Exact Sciences
Classification: Uncertain significance for ALMS1-related condition. Last evaluated: 2025-11-25. Review status: criteria provided, single submitter. Criteria: ACMG Guidelines, 2015. Collection method: clinical testing. Allele origin: germline.
Comment: The ALMS1 c.2071G>C variant is predicted to result in the amino acid substitution p.Ala691Pro. To our knowledge, this variant has not been reported in the literature or in a large population database (gnomAD), indicating this variant is rare. At this time, the clinical significance of this variant is uncertain due to the absence of conclusive functional and genetic evidence.